The following is an entry in ClinVar:

NM_001845.6(COL4A1):c.343G>C (p.Gly115Arg)

Gene: COL4A1 (collagen type IV alpha 1 chain; minus strand). Cytogenetic location: 13q34.
Variant type: single nucleotide variant.
Coding change: c.343G>C on transcript NM_001845.6 (MANE Select); coding-DNA position 343, G replaced by C.
Protein change: p.Gly115Arg; replaces glycine 115 with arginine.
Molecular consequence: missense variant.
Genome position (GRCh38, 1-based): chr13:110,212,461, C>G on the plus strand (G>C on the coding strand, the complement: COL4A1 is on the minus strand). VCF-style: chr13-110212461-C-G. GRCh37 (hg19) VCF-style: chr13-110864808-C-G.
Other names: c.343G>C, p.Gly115Arg (NM_001303110.2); short protein forms G115R.
Identifiers: ClinVar variation 2907800 (VCV002907800.3), dbSNP rs753989899, ClinGen allele CA388726411.

ClinVar aggregate classification (germline): Likely pathogenic (1 of 4 stars; one submission).

Submission:

Labcorp Genetics (formerly Invitae), Labcorp
Classification: Likely pathogenic. Last evaluated: 2025-05-17. Review status: criteria provided, single submitter. Criteria: Invitae Variant Classification Sherloc (09022015). Collection method: clinical testing. Allele origin: germline.
Comment: This sequence change replaces glycine, which is neutral and non-polar, with arginine, which is basic and polar, at codon 115 of the COL4A1 protein (p.Gly115Arg). This variant is not present in population databases (gnomAD no frequency). This variant has not been reported in the literature in individuals affected with COL4A1-related conditions. ClinVar contains an entry for this variant (Variation ID: 2907800). Invitae Evidence Modeling of protein sequence and biophysical properties (such as structural, functional, and spatial information, amino acid conservation, physicochemical variation, residue mobility, and thermodynamic stability) indicates that this missense variant is expected to disrupt COL4A1 protein function with a positive predictive value of 95%. This variant disrupts the triple helix domain of COL4A1. Glycine residues within the Gly-Xaa-Yaa repeats of the triple helix domain are required for the structure and stability of fibrillar collagens (PMID: 7695699, 8218237, 19344236). In COL4A1 variants affecting these glycine residues are significantly enriched in individuals with disease (PMID: 9016532, 17078022) compared to the general population (ExAC). In summary, the currently available evidence indicates that the variant is pathogenic, but additional data are needed to prove that conclusively. Therefore, this variant has been classified as Likely Pathogenic.

Literature cited by the submitters: PubMed 7695699; PubMed 8218237; PubMed 19344236; PubMed 9016532; PubMed 17078022.